The following is an entry in ClinVar:

ClinVar aggregate classification (germline): Uncertain significance. Review status: criteria provided, multiple submitters, no conflicts (2 of 4 stars). 2 submissions from 2 submitters: Uncertain significance (2). Last evaluated 2025-06-12.

Conditions:
MAGEL2-related disorder. Also called: MAGEL2-related condition.

Submissions (2):

PreventionGenetics, part of Exact Sciences
Classification: Uncertain significance for MAGEL2-related condition. Last evaluated: 2025-06-12. Review status: criteria provided, single submitter. Criteria: ACMG Guidelines, 2015. Collection method: clinical testing. Allele origin: germline.
Comment: The MAGEL2 c.934_954del21 variant is predicted to result in an in-frame deletion (p.Ala312_Pro318del). To our knowledge, this variant has not been reported in the literature. This variant is reported in 0.015% of alleles in individuals of African descent in gnomAD. This variant falls within a highly paralogous region. Allele frequency data should be interpreted with caution. At this time, the clinical significance of this variant is uncertain due to the absence of conclusive functional and genetic evidence.

Labcorp Genetics (formerly Invitae), Labcorp
Classification: Uncertain significance. Last evaluated: 2022-09-15. Review status: criteria provided, single submitter. Criteria: Invitae Variant Classification Sherloc (09022015). Collection method: clinical testing. Allele origin: germline.
Comment: This variant, c.934_954del, results in the deletion of 7 amino acid(s) of the MAGEL2 protein (p.Ala312_Pro318del), but otherwise preserves the integrity of the reading frame. This variant is present in population databases (no rsID available, gnomAD 0.02%). This variant has not been reported in the literature in individuals affected with MAGEL2-related conditions. Experimental studies and prediction algorithms are not available or were not evaluated, and the functional significance of this variant is currently unknown. In summary, the available evidence is currently insufficient to determine the role of this variant in disease. Therefore, it has been classified as a Variant of Uncertain Significance.

NM_019066.5(MAGEL2):c.934_954del (p.Ala312_Pro318del)

Gene: MAGEL2 (MAGE family member L2; minus strand). Cytogenetic location: 15q11.2.
Variant type: Deletion.
Coding change: c.934_954del on transcript NM_019066.5 (MANE Select); coding-DNA positions 934 to 954, 21 bases deleted (GCGGCCCCACCTGCACAGCCG).
Protein change: p.Ala312_Pro318del.
Molecular consequence: inframe deletion.
Genome position (GRCh38, 1-based): chr15:23,646,789-23,646,809, CGGCTGTGCAGGTGGGGCCGC deleted on the plus strand (GCGGCCCCACCTGCACAGCCG on the coding strand, the reverse complement: MAGEL2 is on the minus strand); deleting any 21 consecutive bases within chr15:23,646,789-23,646,818 gives the same sequence; the c. name uses the placement nearest the transcript's 3' end. VCF-style (leftmost placement, unchanged base first): chr15-23646788-TCGGCTGTGCAGGTGGGGCCGC-T. GRCh37 (hg19) VCF-style: chr15-23891935-TCGGCTGTGCAGGTGGGGCCGC-T.
Other names: c.934_954del21 (NM_019066.4).
Identifiers: ClinVar variation 1940925 (VCV001940925.6), dbSNP rs760710950, ClinGen allele CA617084208.